The following is an entry in ClinVar:

NM_000038.6(APC):c.644A>G (p.Gln215Arg)

Gene: APC (APC regulator of Wnt signaling pathway; plus strand). Cytogenetic location: 5q22.2.
Variant type: single nucleotide variant.
Coding change: c.644A>G on transcript NM_000038.6 (MANE Select); coding-DNA position 644, A replaced by G.
Protein change: p.Gln215Arg; replaces glutamine 215 with arginine.
Molecular consequence: missense variant. On other transcripts: 5 prime UTR variant (1).
Genome position (GRCh38, 1-based): chr5:112,780,902, A>G. VCF-style: chr5-112780902-A-G. GRCh37 (hg19) VCF-style: chr5-112116599-A-G.
Other names: c.644A>G, p.Gln215Arg (NM_001127510.3, NM_001354895.2, NM_001354896.2 and 2 more transcripts); c.674A>G, p.Gln225Arg (NM_001127511.3, NM_001354897.2, NM_001354902.2); c.569A>G, p.Gln190Arg (NM_001354898.2, NM_001354904.2); c.467A>G, p.Gln156Arg (NM_001354900.2, NM_001354901.2, NM_001354905.2); c.-392A>G (NM_001354906.2); short protein forms Q225R, Q215R, Q156R, Q190R.
Identifiers: ClinVar variation 628832 (VCV000628832.12), dbSNP rs1561486001, ClinGen allele CA16022747.

ClinVar aggregate classification (germline): Uncertain significance. Review status: criteria provided, multiple submitters, no conflicts (2 of 4 stars). 3 submissions from 3 submitters: Uncertain significance (3). Last evaluated 2025-05-25.

Conditions:
Hereditary cancer-predisposing syndrome. Also called: Neoplastic Syndromes, Hereditary; Tumor predisposition; Hereditary neoplastic syndrome; Hereditary Cancer Syndrome. Identifiers: Orphanet 140162, MedGen C0027672, MeSH D009386, MONDO:0015356.
Familial adenomatous polyposis 1 (FAP1). Also called: POLYPOSIS, ADENOMATOUS INTESTINAL; FAMILIAL ADENOMATOUS POLYPOSIS 1, ATTENUATED. Identifiers: MedGen C2713442, MONDO:0021056, OMIM 175100. Disease mechanism: loss of function.

Submissions (3):

Ambry Genetics
Classification: Uncertain significance for Hereditary cancer-predisposing syndrome. Last evaluated: 2025-05-25. Review status: criteria provided, single submitter. Criteria: Ambry Variant Classification Scheme 2023. Collection method: clinical testing. Allele origin: germline.
Comment: The p.Q215R variant (also known as c.644A>G), located in coding exon 5 of the APC gene, results from an A to G substitution at nucleotide position 644. The glutamine at codon 215 is replaced by arginine, an amino acid with highly similar properties. This amino acid position is conserved. In addition, in silico predictors for this gene do not accurately predict pathogenicity. Based on the available evidence, the clinical significance of this variant remains unclear.

Labcorp Genetics (formerly Invitae), Labcorp
Classification: Uncertain significance for Familial adenomatous polyposis 1. Last evaluated: 2023-10-13. Review status: criteria provided, single submitter. Criteria: Invitae Variant Classification Sherloc (09022015). Collection method: clinical testing. Allele origin: germline.
Comment: This sequence change replaces glutamine, which is neutral and polar, with arginine, which is basic and polar, at codon 215 of the APC protein (p.Gln215Arg). This variant is not present in population databases (gnomAD no frequency). This variant has not been reported in the literature in individuals affected with APC-related conditions. ClinVar contains an entry for this variant (Variation ID: 628832). An algorithm developed to predict the effect of missense changes on protein structure and function (PolyPhen-2) suggests that this variant is likely to be disruptive. In summary, the available evidence is currently insufficient to determine the role of this variant in disease. Therefore, it has been classified as a Variant of Uncertain Significance.

Color Diagnostics, LLC DBA Color Health
Classification: Uncertain significance for Hereditary cancer-predisposing syndrome. Last evaluated: 2022-06-30. Review status: criteria provided, single submitter. Criteria: ACMG Guidelines, 2015. Collection method: clinical testing. Allele origin: germline.
Comment: This missense variant replaces glutamine with arginine at codon 215 of the APC protein. Computational prediction is inconclusive regarding the impact of this variant on protein structure and function (internally defined REVEL score threshold 0.5 < inconclusive < 0.7, PMID: 27666373). To our knowledge, functional studies have not been reported for this variant. This variant has not been reported in individuals affected with hereditary cancer in the literature. This variant has not been identified in the general population by the Genome Aggregation Database (gnomAD). The available evidence is insufficient to determine the role of this variant in disease conclusively. Therefore, this variant is classified as a Variant of Uncertain Significance.